The following is an entry in ClinVar:

NM_015512.5(DNAH1):c.11402G>A (p.Gly3801Asp)

Gene: DNAH1 (dynein axonemal heavy chain 1; plus strand). Cytogenetic location: 3p21.1.
Variant type: single nucleotide variant.
Coding change: c.11402G>A on transcript NM_015512.5 (MANE Select); coding-DNA position 11402, G replaced by A.
Protein change: p.Gly3801Asp; replaces glycine 3801 with aspartic acid.
Molecular consequence: missense variant.
Genome position (GRCh38, 1-based): chr3:52,396,510, G>A. VCF-style: chr3-52396510-G-A. GRCh37 (hg19) VCF-style: chr3-52430526-G-A.
Other names: p.Gly3801Asp; short protein forms G3801D.
Identifiers: ClinVar variation 402604 (VCV000402604.18), dbSNP rs12163565, ClinGen allele CA2436154.

ClinVar aggregate classification (germline): Benign. Review status: criteria provided, multiple submitters, no conflicts (2 of 4 stars). 8 submissions from 7 submitters: Benign (8). Last evaluated 2026-02-04.

Conditions:
Spermatogenic failure 18. Identifiers: MedGen C4539783, MONDO:0054615, OMIM 617576.
Ciliary dyskinesia, primary, 37 (CILD37). Also called: CILIARY DYSKINESIA, PRIMARY, 37, WITH OR WITHOUT SITUS INVERSUS. Identifiers: MedGen C4539798, MONDO:0033204, OMIM 617577.

Allele frequency attached by ClinVar (database versions not stated): gnomAD 0.15635 and 0.16025; 1000 Genomes Project 30x 0.16240; 1000 Genomes Project 0.16593; gnomAD exomes 0.19305 and 0.20096; ExAC 0.23247; ESP Exome Variant Server 0.14189; TOPMed 0.14702.
gnomAD v4.1: 317,853 of 1,610,062 alleles (20%); highest among the groups gnomAD compares: South Asian, 23%; 33,361 homozygotes.

Submissions (8):

Labcorp Genetics (formerly Invitae), Labcorp
Classification: Benign for Ciliary dyskinesia, primary, 37; Spermatogenic failure 18. Last evaluated: 2026-02-04. Review status: criteria provided, single submitter. Criteria: Invitae Variant Classification Sherloc (09022015). Collection method: clinical testing. Allele origin: germline.

Blueprint Genetics
Classification: Benign. Last evaluated: 2024-11-26. Review status: criteria provided, single submitter. Criteria: ACMG Guidelines, 2015. Collection method: clinical testing. Allele origin: germline.

Mayo Clinic Laboratories, Mayo Clinic
Classification: Benign. Last evaluated: 2022-04-26. Review status: criteria provided, single submitter. Criteria: ACMG Guidelines, 2015. Collection method: clinical testing. Allele origin: germline. Observed: 69 variant alleles.

Genome-Nilou Lab
Classification: Benign for Ciliary dyskinesia, primary, 37. Last evaluated: 2021-07-30. Review status: criteria provided, single submitter. Criteria: ACMG Guidelines, 2015. Collection method: clinical testing. Allele origin: germline. Affected: no.

Genome-Nilou Lab
Classification: Benign for Spermatogenic failure 18. Last evaluated: 2021-07-30. Review status: criteria provided, single submitter. Criteria: ACMG Guidelines, 2015. Collection method: clinical testing. Allele origin: germline. Affected: no.

GeneDx
Classification: Benign. Last evaluated: 2018-07-09. Review status: criteria provided, single submitter. Criteria: GeneDx Variant Classification Process June 2021. Collection method: clinical testing. Allele origin: germline. Affected: yes.

Laboratory for Molecular Medicine, Mass General Brigham Personalized Medicine
Classification: Benign. Last evaluated: 2016-03-29. Review status: criteria provided, single submitter. Criteria: LMM Criteria. Collection method: clinical testing. Allele origin: germline.
Comment: Variant identified in a genome or exome case(s) and assessed due to predicted null impact of the variant or pathogenic assertions in the literature or databases. Disclaimer: This variant has not undergone full assessment. The following are preliminary notes: Frequency

Breakthrough Genomics
Classification: Benign. Review status: criteria provided, single submitter. Criteria: ACMG Guidelines, 2015. Collection method: not provided. Allele origin: germline. Inheritance: Autosomal recessive inheritance. Affected: yes.